The following is an entry in ClinVar:

NM_000023.4(SGCA):c.233_234delinsGA (p.Tyr78Ter)

Gene: SGCA (sarcoglycan alpha; plus strand). Cytogenetic location: 17q21.33.
Variant type: Indel.
Coding change: c.233_234delinsGA on transcript NM_000023.4 (MANE Select); coding-DNA positions 233 to 234, AC replaced by GA.
Protein change: p.Tyr78Ter; replaces tyrosine 78 with a stop codon.
Molecular consequence: nonsense. On other transcripts: non-coding transcript variant (1).
Genome position (GRCh38, 1-based): chr17:50,167,657-50,167,658, AC replaced by GA. VCF-style: chr17-50167657-AC-GA. GRCh37 (hg19) VCF-style: chr17-48245018-AC-GA.
Other names: c.233_234delACinsGA (NM_000023.3); c.233_234delinsGA, p.Tyr78Ter (NM_001135697.3); short protein forms Y78*.
Identifiers: ClinVar variation 639468 (VCV000639468.3), dbSNP rs1598265248, ClinGen allele CA915950586.

ClinVar aggregate classification (germline): Pathogenic. Review status: criteria provided, multiple submitters, no conflicts (2 of 4 stars). 3 submissions from 3 submitters: Pathogenic (3). Last evaluated 2025-12-01.

Conditions:
Autosomal recessive limb-girdle muscular dystrophy type 2D (LGMDR3). Also called: DUCHENNE-LIKE AUTOSOMAL RECESSIVE MUSCULAR DYSTROPHY, TYPE 2; ADHALINOPATHY, PRIMARY; MUSCULAR DYSTROPHY, LIMB-GIRDLE, AUTOSOMAL RECESSIVE 3. Identifiers: Orphanet 62, MedGen C2936332, MONDO:0011968, OMIM 608099. Disease mechanism: Affects gamma-sarcoglycan and also disrupts the integrity of the entire sarcoglycan complex..

Submissions (3):

Natera, Inc.
Classification: Pathogenic for Limb-girdle muscular dystrophy type 2D. Last evaluated: 2025-12-01. Review status: criteria provided, single submitter. Criteria: Natera Variant Classification Schema (03/2026). Collection method: clinical testing. Allele origin: germline.
Comment: The c.233_234delACinsGA variant in SGCA is a deletion-insertion (delins) variant predicted to replace one or more nucleotides with a different sequence. This variant is expected to result in nonsense mediated decay, truncation, or a dysfunctional protein product. This variant is rare in the general population with a frequency below the threshold expected for the associated phenotype(s). This variant has been observed in one or more individuals affected with the associated recessive disease, as either homozygous or compound heterozygous with a second variant (PMID: 30764848). Given the available evidence, this variant is classified as Pathogenic.

Baylor Genetics
Classification: Pathogenic for Autosomal recessive limb-girdle muscular dystrophy type 2D. Last evaluated: 2023-08-30. Review status: criteria provided, single submitter. Criteria: ACMG Guidelines, 2015. Collection method: clinical testing. Allele origin: unknown.

Labcorp Genetics (formerly Invitae), Labcorp
Classification: Pathogenic for Limb-girdle muscular dystrophy, type 2D. Last evaluated: 2018-12-14. Review status: criteria provided, single submitter. Criteria: Invitae Variant Classification Sherloc (09022015). Collection method: clinical testing. Allele origin: germline.
Comment: This sequence change creates a premature translational stop signal (p.Tyr78*) in the SGCA gene. It is expected to result in an absent or disrupted protein product. This variant is not present in population databases (ExAC no frequency). This variant has been observed in individual(s) with clinical features of limb-girdle muscular dystrophy (LGMD) (PMID:Â¬â€ 28403181). In at least one individual the data is consistent with the variant being in trans (on the opposite chromosome) from a pathogenic variant. Loss-of-function variants in SGCA are known to be pathogenic (PMID: 9192266). For these reasons, this variant has been classified as Pathogenic.

Literature cited by the submitters: PubMed 30764848 (cited by Natera, Inc.).